The following is an entry in ClinVar:

ClinVar aggregate classification (germline): Likely benign. Review status: criteria provided, multiple submitters, no conflicts (2 of 4 stars). 3 submissions from 3 submitters: Likely benign (2). 1 of the submissions does not count toward it. Last evaluated 2024-10-27.

Conditions:
SCN3B-related disorder. Also called: SCN3B-related condition.
Cardiovascular phenotype. Identifiers: MedGen CN230736.
Brugada syndrome 7 (BRGDA7). Identifiers: Orphanet 130, MedGen C2751088, MONDO:0013146, OMIM 613120.

Allele frequency attached by ClinVar (database versions not stated): ExAC 0.00001; gnomAD 0.00002; gnomAD exomes 0.00003 and 0.00004; TOPMed 0.00004.
gnomAD v4.1: 57 of 1,613,846 alleles (0.0035%); highest among the groups gnomAD compares: Non-Finnish European, 0.0047%; no homozygotes.

Submissions (3):

Labcorp Genetics (formerly Invitae), Labcorp
Classification: Likely benign for Brugada syndrome 7. Last evaluated: 2024-10-27. Review status: criteria provided, single submitter. Criteria: Invitae Variant Classification Sherloc (09022015). Collection method: clinical testing. Allele origin: germline.

Ambry Genetics
Classification: Likely benign for Cardiovascular phenotype. Last evaluated: 2021-08-19. Review status: criteria provided, single submitter. Criteria: Ambry Variant Classification Scheme 2023. Collection method: clinical testing. Allele origin: germline.

PreventionGenetics, part of Exact Sciences
Classification: Likely benign for SCN3B-related condition. Last evaluated: 2019-08-09. Review status: no assertion criteria provided. Collection method: clinical testing. Allele origin: germline. Not counted in ClinVar's aggregate classification.
Comment: This variant is classified as likely benign based on ACMG/AMP sequence variant interpretation guidelines (Richards et al. 2015 PMID: 25741868, with internal and published modifications).

NM_001040151.2(SCN3B):c.561C>T (p.Ala187=)

Gene: SCN3B (sodium voltage-gated channel beta subunit 3; minus strand). Cytogenetic location: 11q24.1.
Variant type: single nucleotide variant.
Coding change: c.561C>T on transcript NM_001040151.2 (MANE Select); coding-DNA position 561, C replaced by T.
Protein change: p.Ala187=; no amino-acid change (alanine 187 retained).
Molecular consequence: synonymous variant.
Genome position (GRCh38, 1-based): chr11:123,638,209, G>A on the plus strand (C>T on the coding strand, the complement: SCN3B is on the minus strand). VCF-style: chr11-123638209-G-A. GRCh37 (hg19) VCF-style: chr11-123508917-G-A.
Other names: c.561C>T, p.Ala187= (NM_018400.4).
Identifiers: ClinVar variation 1152790 (VCV001152790.13), dbSNP rs746888620, ClinGen allele CA6333989.